The following is an entry in ClinVar:

NM_138459.5(NUS1):c.550T>G (p.Cys184Gly)

Gene: NUS1 (NUS1 dehydrodolichyl diphosphate synthase subunit; plus strand). Cytogenetic location: 6q22.1.
Variant type: single nucleotide variant.
Coding change: c.550T>G on transcript NM_138459.5 (MANE Select); coding-DNA position 550, T replaced by G.
Protein change: p.Cys184Gly; replaces cysteine 184 with glycine.
Molecular consequence: missense variant.
Genome position (GRCh38, 1-based): chr6:117,694,039, T>G. VCF-style: chr6-117694039-T-G. GRCh37 (hg19) VCF-style: chr6-118015202-T-G.
Other names: short protein forms C184G.
Identifiers: ClinVar variation 3723223 (VCV003723223.2).

ClinVar aggregate classification (germline): Uncertain significance (1 of 4 stars; one submission).

Conditions:
Congenital disorder of glycosylation, type Iaa. Also called: Congenital disorder of glycosylation, type 1aa. Identifiers: MedGen C4310727, MONDO:0014904, OMIM 617082.

gnomAD v4.1: 1 of 1,602,410 alleles (0.000062%); highest among the groups gnomAD compares: Non-Finnish European, 0.000085%; no homozygotes.

Submission:

Labcorp Genetics (formerly Invitae), Labcorp
Classification: Uncertain significance for Congenital disorder of glycosylation, type Iaa. Last evaluated: 2024-10-17. Review status: criteria provided, single submitter. Criteria: Invitae Variant Classification Sherloc (09022015). Collection method: clinical testing. Allele origin: germline.
Comment: This sequence change replaces cysteine, which is neutral and slightly polar, with glycine, which is neutral and non-polar, at codon 184 of the NUS1 protein (p.Cys184Gly). This variant is not present in population databases (gnomAD no frequency). This variant has not been reported in the literature in individuals affected with NUS1-related conditions. An algorithm developed to predict the effect of missense changes on protein structure and function (PolyPhen-2) suggests that this variant is likely to be tolerated. In summary, the available evidence is currently insufficient to determine the role of this variant in disease. Therefore, it has been classified as a Variant of Uncertain Significance.